The following is an entry in ClinVar:

NM_000143.4(FH):c.470T>G (p.Ile157Ser)

Gene: FH (fumarate hydratase; minus strand). Cytogenetic location: 1q43.
Variant type: single nucleotide variant.
Coding change: c.470T>G on transcript NM_000143.4 (MANE Select); coding-DNA position 470, T replaced by G.
Protein change: p.Ile157Ser; replaces isoleucine 157 with serine.
Molecular consequence: missense variant.
Genome position (GRCh38, 1-based): chr1:241,512,052, A>C on the plus strand (T>G on the coding strand, the complement: FH is on the minus strand). VCF-style: chr1-241512052-A-C. GRCh37 (hg19) VCF-style: chr1-241675352-A-C.
Other names: short protein forms I157S.
Identifiers: ClinVar variation 1324401 (VCV001324401.3), dbSNP rs2147921876, ClinGen allele CA345440031.

ClinVar aggregate classification (germline): Likely pathogenic (1 of 4 stars; one submission).

Conditions:
Hereditary cancer-predisposing syndrome. Also called: Hereditary Cancer Syndrome; Tumor predisposition; Neoplastic Syndromes, Hereditary; Hereditary neoplastic syndrome. Identifiers: Orphanet 140162, MedGen C0027672, MeSH D009386, MONDO:0015356.

Submission:

Ambry Genetics
Classification: Likely pathogenic for Hereditary cancer-predisposing syndrome. Last evaluated: 2023-08-14. Review status: criteria provided, single submitter. Criteria: Ambry Variant Classification Scheme 2023. Collection method: clinical testing. Allele origin: germline.
Comment: The p.I157S variant (also known as c.470T>G), located in coding exon 4 of the FH gene, results from a T to G substitution at nucleotide position 470. The isoleucine at codon 157 is replaced by serine, an amino acid with dissimilar properties. This alteration has been detected in individuals with FH-deficient uterine fibroids (Muller M et al. Clin Genet. 2018 05;93:1118; Ambry internal data). Based on internal structural assessment, this alteration is predicted to disrupt the N-terminal domain of the FH gene (Ambry internal data; Ajalla Aleixo MA et al. FEBS J. 2019 05;286:1925-1940). This variant is considered to be rare based on population cohorts in the Genome Aggregation Database (gnomAD). This amino acid position is highly conserved in available vertebrate species. In addition, this alteration is predicted to be deleterious by in silico analysis. Based on the majority of available evidence to date, this variant is likely to be pathogenic.

Literature cited by the submitters: PubMed 29655270; PubMed 30761759.